The following is an entry in ClinVar:

NM_001276270.2(MBD4):c.562G>A (p.Val188Met)

Gene: MBD4 (methyl-CpG binding domain 4, DNA glycosylase; minus strand). Cytogenetic location: 3q21.3.
Variant type: single nucleotide variant.
Coding change: c.562G>A on transcript NM_001276270.2 (MANE Select); coding-DNA position 562, G replaced by A.
Protein change: p.Val188Met; replaces valine 188 with methionine.
Molecular consequence: missense variant. On other transcripts: intron variant (1).
Genome position (GRCh38, 1-based): chr3:129,437,082, C>T on the plus strand (G>A on the coding strand, the complement: MBD4 is on the minus strand). VCF-style: chr3-129437082-C-T. GRCh37 (hg19) VCF-style: chr3-129155925-C-T.
Other names: c.562G>A, p.Val188Met (NM_001276271.2, NM_001276272.2, NM_003925.3); c.247+726G>A (NM_001276273.2); short protein forms V188M.
Identifiers: ClinVar variation 3543763 (VCV003543763.2).

ClinVar aggregate classification (germline): Uncertain significance. Review status: criteria provided, multiple submitters, no conflicts (2 of 4 stars). 2 submissions from 2 submitters: Uncertain significance (2). Last evaluated 2025-12-24.

Conditions:
Inborn genetic diseases. Identifiers: MedGen C0950123, MeSH D030342.

gnomAD v4.1: 7 of 1,613,968 alleles (0.00043%); highest among the groups gnomAD compares: Non-Finnish European, 0.00059%; no homozygotes.

Submissions (2):

Labcorp Genetics (formerly Invitae), Labcorp
Classification: Uncertain significance. Last evaluated: 2025-12-24. Review status: criteria provided, single submitter. Criteria: Invitae Variant Classification Sherloc (09022015). Collection method: clinical testing. Allele origin: germline.
Comment: This sequence change replaces valine, which is neutral and non-polar, with methionine, which is neutral and non-polar, at codon 188 of the MBD4 protein (p.Val188Met). This variant is not present in population databases (gnomAD no frequency). This variant has not been reported in the literature in individuals affected with MBD4-related conditions. ClinVar contains an entry for this variant (Variation ID: 3543763). An algorithm developed to predict the effect of missense changes on protein structure and function (PolyPhen-2) suggests that this variant is likely to be disruptive. In summary, the available evidence is currently insufficient to determine the role of this variant in disease. Therefore, it has been classified as a Variant of Uncertain Significance.

Ambry Genetics
Classification: Uncertain significance for Inborn genetic diseases. Last evaluated: 2024-11-22. Review status: criteria provided, single submitter. Criteria: Ambry Variant Classification Scheme 2023. Collection method: clinical testing. Allele origin: germline.
Comment: The p.V188M variant (also known as c.562G>A), located in coding exon 3 of the MBD4 gene, results from a G to A substitution at nucleotide position 562. The valine at codon 188 is replaced by methionine, an amino acid with highly similar properties. This amino acid position is conserved. In addition, this alteration is predicted to be tolerated by in silico analysis. Based on the available evidence, the clinical significance of this variant remains unclear.